The following is an entry in ClinVar:

ClinVar aggregate classification (germline): Conflicting classifications of pathogenicity. Review status: criteria provided, conflicting classifications (1 of 4 stars). 4 submissions from 4 submitters: Pathogenic (1); Uncertain significance (3). Last evaluated 2025-10-21.

Conditions:
Neurofibromatosis, type 1 (NF1). Also called: VON RECKLINGHAUSEN DISEASE; NEUROFIBROMATOSIS, TYPE I, SOMATIC; Peripheral type neurofibromatosis; Neurofibromatosis, type I. Identifiers: Orphanet 636, MedGen C0027831, MONDO:0018975, OMIM 162200. Disease mechanism: loss of function.
Juvenile myelomonocytic leukemia (JMML). Also called: LEUKEMIA, JUVENILE MYELOMONOCYTIC, SOMATIC. Identifiers: Orphanet 86834, MedGen C0349639, MONDO:0011908, OMIM 607785, HP:0012209.
Café-au-lait macules with pulmonary stenosis (WTSN). Also called: PULMONIC STENOSIS WITH CAFE-AU-LAIT SPOTS. Identifiers: MedGen C0553586, MONDO:0008672, OMIM 193520.
Neurofibromatosis, familial spinal (FSNF). Identifiers: Orphanet 636, MedGen C1834235, MONDO:0008078, OMIM 162210. Disease mechanism: loss of function.
Neurofibromatosis-Noonan syndrome (NFNS). Also called: NEUROFIBROMATOSIS WITH NOONAN PHENOTYPE. Identifiers: Orphanet 638, MedGen C2931482, MONDO:0011035, OMIM 601321. Disease mechanism: loss of function.

Submissions (4):

Labcorp Genetics (formerly Invitae), Labcorp
Classification: Pathogenic for Neurofibromatosis, type 1. Last evaluated: 2025-10-21. Review status: criteria provided, single submitter. Criteria: Invitae Variant Classification Sherloc (09022015). Collection method: clinical testing. Allele origin: germline.
Comment: This sequence change replaces aspartic acid, which is acidic and polar, with tyrosine, which is neutral and polar, at codon 186 of the NF1 protein (p.Asp186Tyr). RNA analysis indicates that this missense change induces altered splicing and may result in an absent or altered protein product. This variant is not present in population databases (gnomAD no frequency). This missense change has been observed in individuals with neurofibromatosis type 1 (PMID: 19221814; internal data). Invitae Evidence Modeling of clinical and family history, age, sex, and reported ancestry of multiple individuals with this NF1 variant has been performed. This variant is expected to be pathogenic with a positive predictive value of at least 99%. This is a validated machine learning model that incorporates the clinical features of 1,785,918 individuals referred to our laboratory for NF1 testing. ClinVar contains an entry for this variant (Variation ID: 618253). Invitae Evidence Modeling of protein sequence and biophysical properties (such as structural, functional, and spatial information, amino acid conservation, physicochemical variation, residue mobility, and thermodynamic stability) indicates that this missense variant is expected to disrupt NF1 protein function with a positive predictive value of 95%. Studies have shown that this missense change results in activation of a cryptic splice site and/or skipping of exon 5, and produces a non-functional protein and/or introduces a premature termination codon (PMID: 34782607). For these reasons, this variant has been classified as Pathogenic.

Genome-Nilou Lab
Classification: Uncertain significance for Neurofibromatosis, type 1. Last evaluated: 2022-03-15. Review status: criteria provided, single submitter. Criteria: ACMG Guidelines, 2015. Collection method: clinical testing. Allele origin: germline. Affected: no.

Fulgent Genetics
Classification: Uncertain significance for Neurofibromatosis, type 1; Neurofibromatosis, familial spinal; Café-au-lait macules with pulmonary stenosis; Neurofibromatosis-Noonan syndrome; Juvenile myelomonocytic leukemia. Last evaluated: 2021-10-11. Review status: criteria provided, single submitter. Criteria: ACMG Guidelines, 2015. Collection method: clinical testing. Allele origin: unknown.

ARUP Laboratories, Molecular Genetics and Genomics, ARUP Laboratories
Classification: Uncertain significance. Last evaluated: 2018-04-02. Review status: criteria provided, single submitter. Criteria: ARUP Molecular Germline Variant Investigation Process. Collection method: clinical testing. Allele origin: germline.
Comment: The NF1 c.556G>T; p.Asp186Tyr variant is reported in the literature in an individual with classical NF1 and spinal tumors (Upadhyaya 2009). In addition, a different alteration at this codon (p.Asp186Val) is also reported in an individual with NF1 (Zatkova 2004). The p.Asp186Tyr variant is absent from the general population databases (1000 Genomes Project, Exome Variant Server, Genome Aggregation Database), indicating it is not a common polymorphism. The aspartate at codon 186 is highly conserved and computational algorithms (SIFT, PolyPhen2) predict this variant is deleterious. However, due to limited information, the clinical significance of p.Asp186Tyr is uncertain at this time. REFERENCES Upadhyaya M et al. The spectrum of somatic and germline NF1 mutations in NF1 patients with spinal neurofibromas. Neurogenetics. 2009 Jul;10(3):251-63. Zatkova A et al. Disruption of exonic splicing enhancer elements is the principal cause of exon skipping associated with seven nonsense or missense alleles of NF1. Hum Mutat. 2004 Dec;24(6):491-501.

Literature cited by the submitters: PubMed 19221814 (cited by Labcorp Genetics (formerly Invitae), Labcorp); PubMed 34782607 (cited by Labcorp Genetics (formerly Invitae), Labcorp).

NM_001042492.3(NF1):c.556G>T (p.Asp186Tyr)

Gene: NF1 (neurofibromin 1; plus strand). Cytogenetic location: 17q11.2.
Variant type: single nucleotide variant.
Coding change: c.556G>T on transcript NM_001042492.3 (MANE Select); coding-DNA position 556, G replaced by T.
Protein change: p.Asp186Tyr; replaces aspartic acid 186 with tyrosine.
Molecular consequence: missense variant.
Genome position (GRCh38, 1-based): chr17:31,169,967, G>T. VCF-style: chr17-31169967-G-T. GRCh37 (hg19) VCF-style: chr17-29496985-G-T.
Other names: c.556G>T, p.Asp186Tyr (NM_000267.4, NM_001128147.3); short protein forms D186Y.
Identifiers: ClinVar variation 618253 (VCV000618253.16), dbSNP rs1567820765, ClinGen allele CA398985291.